The following is an entry in ClinVar:

ClinVar aggregate classification (germline): Uncertain significance. Review status: criteria provided, multiple submitters, no conflicts (2 of 4 stars). 2 submissions from 2 submitters: Uncertain significance (2). Last evaluated 2022-06-11.

Conditions:
Triglyceride storage disease with ichthyosis (CDS). Also called: Dorfman-Chanarin disease; ICHTHYOSIFORM ERYTHRODERMA WITH LEUKOCYTE VACUOLATION; TRIGLYCERIDE STORAGE DISEASE WITH IMPAIRED LONG-CHAIN FATTY ACID OXIDATION; Chanarin-Dorfman Syndrome. Identifiers: Orphanet 98907, MedGen C0268238, MONDO:0010155, OMIM 275630.

Allele frequency attached by ClinVar (database versions not stated): ExAC 0.00001; gnomAD 0.00001; gnomAD exomes 0.00002 and 0.00001; TOPMed 0.00002.
gnomAD v4.1: 27 of 1,560,318 alleles (0.0017%); highest among the groups gnomAD compares: South Asian, 0.0047%; no homozygotes.

Submissions (2):

Labcorp Genetics (formerly Invitae), Labcorp
Classification: Uncertain significance. Last evaluated: 2022-06-11. Review status: criteria provided, single submitter. Criteria: Invitae Variant Classification Sherloc (09022015). Collection method: clinical testing. Allele origin: germline.
Comment: This sequence change replaces glutamic acid, which is acidic and polar, with lysine, which is basic and polar, at codon 15 of the ABHD5 protein (p.Glu15Lys). This variant is present in population databases (rs761863848, gnomAD 0.02%). This variant has not been reported in the literature in individuals affected with ABHD5-related conditions. ClinVar contains an entry for this variant (Variation ID: 901882). Algorithms developed to predict the effect of missense changes on protein structure and function (SIFT, PolyPhen-2, Align-GVGD) all suggest that this variant is likely to be tolerated. In summary, the available evidence is currently insufficient to determine the role of this variant in disease. Therefore, it has been classified as a Variant of Uncertain Significance.

Illumina Laboratory Services, Illumina
Classification: Uncertain significance for Triglyceride storage disease with ichthyosis. Last evaluated: 2018-01-13. Review status: criteria provided, single submitter. Criteria: ICSL Variant Classification Criteria 13 December 2019. Collection method: clinical testing. Allele origin: germline.

NM_016006.6(ABHD5):c.43G>A (p.Glu15Lys)

Genes: ABHD5 (abhydrolase domain containing 5, lysophosphatidic acid acyltransferase; plus strand), ANO10 (anoctamin 10; minus strand). Cytogenetic location: 3p21.33.
Variant type: single nucleotide variant.
Coding change: c.43G>A on transcript NM_016006.6 (MANE Select); coding-DNA position 43, G replaced by A.
Protein change: p.Glu15Lys; replaces glutamic acid 15 with lysine.
Molecular consequence: missense variant. On other transcripts: intron variant (2), non-coding transcript variant (1).
Genome position (GRCh38, 1-based): chr3:43,691,035, G>A. VCF-style: chr3-43691035-G-A. GRCh37 (hg19) VCF-style: chr3-43732527-G-A.
Other names: c.-12+482C>T (NM_001346468.2, NM_001346469.2); c.43G>A, p.Glu15Lys (NM_001355186.2, NM_001365650.1); short protein forms E15K.
Identifiers: ClinVar variation 901882 (VCV000901882.8), dbSNP rs761863848, ClinGen allele CA2341228.